The following is an entry in ClinVar:

ClinVar aggregate classification (germline): Benign (1 of 4 stars; one submission).

Allele frequency attached by ClinVar (database versions not stated): gnomAD 0.02730 and 0.02926; 1000 Genomes Project 0.02756; 1000 Genomes Project 30x 0.02920; TOPMed 0.03140.
gnomAD v4.1: 6,172 of 682,702 alleles (0.9%); highest among the groups gnomAD compares: African/African-American, 9.4%; 244 homozygotes.

Submission:

GeneDx
Classification: Benign. Last evaluated: 2018-06-14. Review status: criteria provided, single submitter. Criteria: GeneDx Variant Classification (06012015). Collection method: clinical testing. Allele origin: germline. Affected: yes.
Comment: This variant is considered likely benign or benign based on one or more of the following criteria: it is a conservative change, it occurs at a poorly conserved position in the protein, it is predicted to be benign by multiple in silico algorithms, and/or has population frequency not consistent with disease.

NM_001130438.3(SPTAN1):c.6708-244C>T

Gene: SPTAN1 (spectrin alpha, non-erythrocytic 1; plus strand). Cytogenetic location: 9q34.11.
Variant type: single nucleotide variant.
Coding change: c.6708-244C>T on transcript NM_001130438.3 (MANE Select); 244 bases into the intron before coding-DNA position 6708, C replaced by T.
Molecular consequence: intron variant.
Genome position (GRCh38, 1-based): chr9:128,630,077, C>T. VCF-style: chr9-128630077-C-T. GRCh37 (hg19) VCF-style: chr9-131392356-C-T.
Other names: c.6771-244C>T (NM_001363759.2); c.6693-244C>T (NM_003127.4); c.6648-244C>T (NM_001363765.2); c.6633-244C>T (NM_001195532.2).
Identifiers: ClinVar variation 677459 (VCV000677459.1), dbSNP rs12003066, ClinGen allele CA200410311.